The following is an entry in ClinVar:

ClinVar aggregate classification (germline): Uncertain significance (1 of 4 stars; one submission).

Submission:

Labcorp Genetics (formerly Invitae), Labcorp
Classification: Uncertain significance. Last evaluated: 2022-07-05. Review status: criteria provided, single submitter. Criteria: Invitae Variant Classification Sherloc (09022015). Collection method: clinical testing. Allele origin: germline.
Comment: In summary, the available evidence is currently insufficient to determine the role of this variant in disease. Therefore, it has been classified as a Variant of Uncertain Significance. Experimental studies and prediction algorithms are not available or were not evaluated, and the functional significance of this variant is currently unknown. ClinVar contains an entry for this variant (Variation ID: 1023545). This variant has not been reported in the literature in individuals affected with PITPNM3-related conditions. This variant is not present in population databases (gnomAD no frequency). This variant, c.2872_2877dup, results in the insertion of 2 amino acid(s) of the PITPNM3 protein (p.Leu958_Pro959dup), but otherwise preserves the integrity of the reading frame.

NM_031220.4(PITPNM3):c.2872_2877dup (p.Leu958_Pro959dup)

Gene: PITPNM3 (PITPNM family member 3; minus strand). Cytogenetic location: 17p13.2.
Variant type: Duplication.
Coding change: c.2872_2877dup on transcript NM_031220.4 (MANE Select); coding-DNA positions 2872 to 2877, 6 bases duplicated (CTGCCG; older notation c.2872_2877dupCTGCCG).
Protein change: p.Leu958_Pro959dup.
Molecular consequence: inframe insertion.
Genome position (GRCh38, 1-based): chr17:6,455,386-6,455,391, CGGCAG duplicated on the plus strand (CTGCCG on the coding strand, the reverse complement: PITPNM3 is on the minus strand); duplicating any 6 consecutive bases within chr17:6,455,386-6,455,395 gives the same sequence; the c. name uses the placement nearest the transcript's 3' end. VCF-style (leftmost placement, unchanged base first): chr17-6455385-C-CCGGCAG. GRCh37 (hg19) VCF-style: chr17-6358705-C-CCGGCAG.
Other names: c.2764_2769dup, p.Leu922_Pro923dup (NM_001165966.2).
Identifiers: ClinVar variation 1023545 (VCV001023545.8), dbSNP rs1914042610, ClinGen allele CA2245346985.